The following is an entry in ClinVar:

ClinVar aggregate classification (germline): Uncertain significance (1 of 4 stars; one submission).

Submission:

GeneDx
Classification: Uncertain significance. Last evaluated: 2024-11-15. Review status: criteria provided, single submitter. Criteria: GeneDx Variant Classification Process June 2021. Collection method: clinical testing. Allele origin: germline. Affected: yes.
Comment: Not observed at significant frequency in large population cohorts (gnomAD); Frameshift variant predicted to result in protein truncation or nonsense mediated decay in a gene or region of a gene for which loss of function is not a well-established mechanism of disease; Has not been previously published as pathogenic or benign to our knowledge

NM_001394062.1(MACF1):c.15543del (p.Glu5182fs)

Gene: MACF1 (microtubule actin crosslinking factor 1; plus strand). Cytogenetic location: 1p34.3.
Variant type: Deletion.
Coding change: c.15543del on transcript NM_001394062.1 (MANE Select); coding-DNA position 15543, one base deleted (A; older notation c.15543delA).
Protein change: p.Glu5182fs; shifts the reading frame from glutamic acid 5182.
Molecular consequence: frameshift variant.
Genome position (GRCh38, 1-based): chr1:39,388,385, A deleted. VCF-style (leftmost placement, unchanged base first): chr1-39388384-CA-C. GRCh37 (hg19) VCF-style: chr1-39854056-CA-C.
Other names: c.9357del, p.Glu3120fs (NM_012090.5); short protein forms E3120fs, E5182fs.
Identifiers: ClinVar variation 3899675 (VCV003899675.1).